The following is an entry in ClinVar:

ClinVar aggregate classification (germline): Likely pathogenic (1 of 4 stars; one submission).

Conditions:
Kabuki syndrome 2 (KABUK2). Also called: KDM6A-Related Kabuki Syndrome. Identifiers: Orphanet 2322, MedGen C3275495, MONDO:0010465, OMIM 300867.

Submission:

Greenwood Genetic Center Diagnostic Laboratories, Greenwood Genetic Center
Classification: Likely pathogenic for Kabuki syndrome 2. Last evaluated: 2024-09-16. Review status: criteria provided, single submitter. Criteria: ACMG Guidelines, 2015. Collection method: clinical testing. Allele origin: germline. Affected: yes.
Comment: PS3_Moderate (positive EpiSign), PM2, PM4 (in-frame intronic insertion by RNA analysis)

NM_001291415.2(KDM6A):c.565-401A>G

Gene: KDM6A (lysine demethylase 6A; plus strand). Cytogenetic location: Xp11.3.
Variant type: single nucleotide variant.
Coding change: c.565-401A>G on transcript NM_001291415.2 (MANE Select); 401 bases into the intron before coding-DNA position 565, A replaced by G.
Molecular consequence: intron variant.
Genome position (GRCh38, 1-based): chrX:45,034,530, A>G. VCF-style: chrX-45034530-A-G. GRCh37 (hg19) VCF-style: chrX-44893775-A-G.
Other names: c.565-401A>G (NM_021140.4, NM_001291416.2, NM_001291417.2 and 1 more transcripts); c.-189-401A>G (NM_001291421.2).
Identifiers: ClinVar variation 1710404 (VCV001710404.4), dbSNP rs2522201595, ClinGen allele CA2580100962.